The following is an entry in ClinVar:

NM_016239.4(MYO15A):c.849del (p.Glu284fs)

Gene: MYO15A (myosin XVA; plus strand). Cytogenetic location: 17p11.2.
Variant type: Deletion.
Coding change: c.849del on transcript NM_016239.4 (MANE Select); coding-DNA position 849, one base deleted (C; older notation c.849delC).
Protein change: p.Glu284fs; shifts the reading frame from glutamic acid 284.
Molecular consequence: frameshift variant.
Genome position (GRCh38, 1-based): chr17:18,119,649, C deleted; the last of 3 consecutive C bases (chr17:18,119,647-18,119,649); deleting any one gives the same sequence. VCF-style (leftmost placement, unchanged base first): chr17-18119646-GC-G. GRCh37 (hg19) VCF-style: chr17-18022960-GC-G.
Other names: short protein forms E284fs.
Identifiers: ClinVar variation 3781034 (VCV003781034.1).
Genomic context (GRCh38, chr17:18,119,646, plus strand): 5'-GGGCCTCGGCCCCTACAGCCCGGCCTGGCCACCCTACGGCGACCACTACTACGGGTACCC[GC>G]CCGAGGATCCCTACGACTACTACCACCCCGACTATTACGGTGGCCCCTTTGATCCGGGGT-3'

ClinVar aggregate classification (germline): Likely pathogenic (1 of 4 stars; one submission).

Submission:

GeneDx
Classification: Likely pathogenic. Last evaluated: 2023-12-18. Review status: criteria provided, single submitter. Criteria: GeneDx Variant Classification Process June 2021. Collection method: clinical testing. Allele origin: germline. Affected: yes.
Comment: Frameshift variant predicted to result in protein truncation or nonsense mediated decay in a gene for which loss of function is a known mechanism of disease; Not observed at significant frequency in large population cohorts (gnomAD); Has not been previously published as pathogenic or benign to our knowledge